The following is an entry in ClinVar:

ClinVar aggregate classification (germline): Uncertain significance (1 of 4 stars; one submission).

Allele frequency attached by ClinVar (database versions not stated): gnomAD exomes 0.00002; ExAC 0.00003.

Submission:

Labcorp Genetics (formerly Invitae), Labcorp
Classification: Uncertain significance. Last evaluated: 2025-03-31. Review status: criteria provided, single submitter. Criteria: Invitae Variant Classification Sherloc (09022015). Collection method: clinical testing. Allele origin: germline.
Comment: This sequence change replaces leucine, which is neutral and non-polar, with phenylalanine, which is neutral and non-polar, at codon 130 of the PHYH protein (p.Leu130Phe). This variant is present in population databases (rs751515293, gnomAD 0.02%). This variant has not been reported in the literature in individuals affected with PHYH-related conditions. ClinVar contains an entry for this variant (Variation ID: 1056402). Invitae Evidence Modeling of protein sequence and biophysical properties (such as structural, functional, and spatial information, amino acid conservation, physicochemical variation, residue mobility, and thermodynamic stability) indicates that this missense variant is not expected to disrupt PHYH protein function with a negative predictive value of 80%. In summary, the available evidence is currently insufficient to determine the role of this variant in disease. Therefore, it has been classified as a Variant of Uncertain Significance.

NM_006214.4(PHYH):c.388C>T (p.Leu130Phe)

Gene: PHYH (phytanoyl-CoA 2-hydroxylase; minus strand). Cytogenetic location: 10p13.
Variant type: single nucleotide variant.
Coding change: c.388C>T on transcript NM_006214.4 (MANE Select); coding-DNA position 388, C replaced by T.
Protein change: p.Leu130Phe; replaces leucine 130 with phenylalanine.
Molecular consequence: missense variant.
Genome position (GRCh38, 1-based): chr10:13,294,454, G>A on the plus strand (C>T on the coding strand, the complement: PHYH is on the minus strand). VCF-style: chr10-13294454-G-A. GRCh37 (hg19) VCF-style: chr10-13336454-G-A.
Other names: c.88C>T, p.Leu30Phe (NM_001037537.2, NM_001323080.2, NM_001323084.2); c.388C>T, p.Leu130Phe (NM_001323082.2, NM_001323083.2); short protein forms L130F, L30F.
Identifiers: ClinVar variation 1056402 (VCV001056402.7), dbSNP rs751515293, ClinGen allele CA5412398.